The following is an entry in ClinVar:

NM_032043.3(BRIP1):c.1483T>G (p.Ser495Ala)

Gene: BRIP1 (BRCA1 interacting DNA helicase 1; minus strand). Cytogenetic location: 17q23.2.
Variant type: single nucleotide variant.
Coding change: c.1483T>G on transcript NM_032043.3 (MANE Select); coding-DNA position 1483, T replaced by G.
Protein change: p.Ser495Ala; replaces serine 495 with alanine.
Molecular consequence: missense variant.
Genome position (GRCh38, 1-based): chr17:61,784,415, A>C on the plus strand (T>G on the coding strand, the complement: BRIP1 is on the minus strand). VCF-style: chr17-61784415-A-C. GRCh37 (hg19) VCF-style: chr17-59861776-A-C.
Other names: short protein forms S495A.
Identifiers: ClinVar variation 639256 (VCV000639256.9), dbSNP rs1555603617, ClinGen allele CA400481743.

ClinVar aggregate classification (germline): Uncertain significance (1 of 4 stars; one submission).

Conditions:
Familial cancer of breast. Also called: BREAST CANCER, FAMILIAL; hereditary breast carcinoma; Hereditary breast cancer. Identifiers: Orphanet 227535, MedGen C0346153, MONDO:0016419, OMIM 114480. Disease mechanism: loss of function.
Fanconi anemia complementation group J. Also called: BRIP1-Related Fanconi Anemia. Identifiers: Orphanet 84, MedGen C1836860, MONDO:0012187, OMIM 609054.

Submission:

Labcorp Genetics (formerly Invitae), Labcorp
Classification: Uncertain significance for Familial cancer of breast; Fanconi anemia complementation group J. Last evaluated: 2018-11-15. Review status: criteria provided, single submitter. Criteria: Invitae Variant Classification Sherloc (09022015). Collection method: clinical testing. Allele origin: germline.
Comment: In summary, the available evidence is currently insufficient to determine the role of this variant in disease. Therefore, it has been classified as a Variant of Uncertain Significance. Algorithms developed to predict the effect of missense changes on protein structure and function output the following: SIFT: "Tolerated"; PolyPhen-2: "Benign"; Align-GVGD: "Class C0". The alanine amino acid residue is found in multiple mammalian species, suggesting that this missense change does not adversely affect protein function. These predictions have not been confirmed by published functional studies and their clinical significance is uncertain. This variant has not been reported in the literature in individuals with BRIP1-related disease. This variant is not present in population databases (ExAC no frequency). This sequence change replaces serine with alanine at codon 495 of the BRIP1 protein (p.Ser495Ala). The serine residue is moderately conserved and there is a moderate physicochemical difference between serine and alanine.